The following is an entry in ClinVar:

ClinVar aggregate classification (germline): Likely benign. Review status: criteria provided, multiple submitters, no conflicts (2 of 4 stars). 5 submissions from 5 submitters: Likely benign (5). Last evaluated 2026-09-01.

Conditions:
Heterotopia, periventricular, X-linked dominant (PVNH1). Also called: PERIVENTRICULAR NODULAR HETEROTOPIA 1; X-linked periventricular heterotopia; PERIVENTRICULAR NODULAR HETEROTOPIA 4; HETEROTOPIA, PERIVENTRICULAR, 1. Identifiers: Orphanet 2149, Orphanet 82004, MedGen C1848213, MONDO:0010233, OMIM 300049.
Melnick-Needles syndrome (MNS). Also called: MELNICK-NEEDLES OSTEODYSPLASTY; OSTEODYSPLASTY OF MELNICK AND NEEDLES; Melnick-Needles Syndrome (FLNA-MNS). Identifiers: Orphanet 2484, MedGen C0025237, MONDO:0010650, OMIM 309350.
Frontometaphyseal dysplasia (FMD1). Identifiers: Orphanet 1826, MedGen C0265293, MONDO:0015942.
Oto-palato-digital syndrome, type II (OPD2). Also called: FACIOPALATOOSSEOUS SYNDROME; OPD II SYNDROME; Otopalatodigital Syndrome Type 2 (FLNA-OPD2); Otopalatodigital Syndrome, Type II. Identifiers: Orphanet 669, Orphanet 90652, MedGen C1844696, MONDO:0010571, OMIM 304120.
Familial thoracic aortic aneurysm and aortic dissection (TAAD). Also called: Thoracic aortic aneurysms and dissections. Identifiers: Orphanet 91387, MedGen C4707243, MONDO:0019625.

Allele frequency attached by ClinVar (database versions not stated): gnomAD exomes 0.00002; TOPMed 0.00002; ExAC 0.00003; gnomAD 0.00003.
gnomAD v4.1: 23 of 1,211,181 alleles (0.0019%); highest among the groups gnomAD compares: South Asian, 0.0053%; no homozygotes.

Submissions (5):

CeGaT Center for Human Genetics Tuebingen
Classification: Likely benign. Last evaluated: 2026-09-01. Review status: criteria provided, single submitter. Criteria: CeGaT Center For Human Genetics Tuebingen Variant Classification Criteria Version 2. Collection method: clinical testing. Allele origin: germline. Affected: yes. Observed: 1 variant allele.
Comment: FLNA: BP4, BP7, BS2

Labcorp Genetics (formerly Invitae), Labcorp
Classification: Likely benign for Oto-palato-digital syndrome, type II; Heterotopia, periventricular, X-linked dominant; Frontometaphyseal dysplasia; Melnick-Needles syndrome. Last evaluated: 2025-10-21. Review status: criteria provided, single submitter. Criteria: Invitae Variant Classification Sherloc (09022015). Collection method: clinical testing. Allele origin: germline.

Blueprint Genetics
Classification: Likely benign. Last evaluated: 2024-09-11. Review status: criteria provided, single submitter. Criteria: ACMG Guidelines, 2015. Collection method: clinical testing. Allele origin: germline.

Ambry Genetics
Classification: Likely benign for Familial thoracic aortic aneurysm and aortic dissection. Last evaluated: 2021-12-13. Review status: criteria provided, single submitter. Criteria: Ambry Variant Classification Scheme 2023. Collection method: clinical testing. Allele origin: germline.

GeneDx
Classification: Likely benign. Last evaluated: 2019-09-17. Review status: criteria provided, single submitter. Criteria: GeneDx Variant Classification Process June 2021. Collection method: clinical testing. Allele origin: germline. Affected: yes.

NM_001110556.2(FLNA):c.5097C>T (p.Asp1699=)

Gene: FLNA (filamin A; minus strand). Cytogenetic location: Xq28.
Variant type: single nucleotide variant.
Coding change: c.5097C>T on transcript NM_001110556.2 (MANE Select); coding-DNA position 5097, C replaced by T.
Protein change: p.Asp1699=; no amino-acid change (aspartic acid 1699 retained).
Molecular consequence: synonymous variant.
Genome position (GRCh38, 1-based): chrX:154,354,945, G>A on the plus strand (C>T on the coding strand, the complement: FLNA is on the minus strand). VCF-style: chrX-154354945-G-A. GRCh37 (hg19) VCF-style: chrX-153583313-G-A.
Other names: c.5073C>T, p.Asp1691= (NM_001456.4).
Identifiers: ClinVar variation 669346 (VCV000669346.11), dbSNP rs781938750, ClinGen allele CA10560390.